The following is an entry in ClinVar:

NM_014112.5(TRPS1):c.2506C>T (p.Gln836Ter)

Gene: TRPS1 (transcriptional repressor GATA binding 1; minus strand). Cytogenetic location: 8q23.3.
Variant type: single nucleotide variant.
Coding change: c.2506C>T on transcript NM_014112.5 (MANE Select); coding-DNA position 2506, C replaced by T.
Protein change: p.Gln836Ter; replaces glutamine 836 with a stop codon.
Molecular consequence: nonsense.
Genome position (GRCh38, 1-based): chr8:115,587,195, G>A on the plus strand (C>T on the coding strand, the complement: TRPS1 is on the minus strand). VCF-style: chr8-115587195-G-A. GRCh37 (hg19) VCF-style: chr8-116599422-G-A.
Other names: c.2479C>T, p.Gln827Ter (NM_001282902.3); c.2485C>T, p.Gln829Ter (NM_001282903.3); c.2467C>T, p.Gln823Ter (NM_001330599.2); short protein forms Q827*, Q823*, Q829*, Q836*.
Identifiers: ClinVar variation 2946615 (VCV002946615.3), dbSNP rs1817580833, ClinGen allele CA372064969.
Genomic context (GRCh38, chr8:115,587,195, plus strand): 5'-AAATAGGTCGCGCCAGATGGGCGGCCTCCACATTGGGACTATCCCTTAGAGTCTTTGTCT[G>A]CTCTTGGGTGCCAGACACAGGCGTCAGCAGCCCCAGGCTTGCTTGGGTGTATGACGGACT-3'

ClinVar aggregate classification (germline): Pathogenic (1 of 4 stars; one submission).

Conditions:
Trichorhinophalangeal dysplasia type I (TRPS1). Also called: TRICHORHINOPHALANGEAL SYNDROME, TYPE I; TRPS I. Identifiers: Orphanet 77258, MedGen C0432233, MONDO:0008596, OMIM 190350.
Trichorhinophalangeal syndrome, type III (TRPS3). Also called: SUGIO-KAJII SYNDROME. Identifiers: Orphanet 77258, MedGen C1860823, OMIM 190351, MONDO:0008597.

Submission:

Labcorp Genetics (formerly Invitae), Labcorp
Classification: Pathogenic for Trichorhinophalangeal syndrome, type III; Trichorhinophalangeal dysplasia type I. Last evaluated: 2023-04-12. Review status: criteria provided, single submitter. Criteria: Invitae Variant Classification Sherloc (09022015). Collection method: clinical testing. Allele origin: germline.
Comment: This variant is not present in population databases (gnomAD no frequency). This sequence change creates a premature translational stop signal (p.Gln836*) in the TRPS1 gene. It is expected to result in an absent or disrupted protein product. Loss-of-function variants in TRPS1 are known to be pathogenic (PMID: 11112658). This variant has not been reported in the literature in individuals affected with TRPS1-related conditions. For these reasons, this variant has been classified as Pathogenic.

Literature cited by the submitters: PubMed 11112658.